The following is an entry in ClinVar:

NM_130384.3(ATRIP):c.1225C>G (p.Pro409Ala)

Genes: ATRIP (ATR interacting protein; plus strand), ATRIP-TREX1 (ATRIP-TREX1 readthrough; plus strand). Cytogenetic location: 3p21.31.
Variant type: single nucleotide variant.
Coding change: c.1225C>G on transcript NM_130384.3 (MANE Select); coding-DNA position 1225, C replaced by G.
Protein change: p.Pro409Ala; replaces proline 409 with alanine.
Molecular consequence: missense variant. On other transcripts: non-coding transcript variant (1).
Genome position (GRCh38, 1-based): chr3:48,460,279, C>G. VCF-style: chr3-48460279-C-G. GRCh37 (hg19) VCF-style: chr3-48501678-C-G.
Other names: c.844C>G, p.Pro282Ala (NM_001271022.2); c.946C>G, p.Pro316Ala (NM_001271023.2); c.1225C>G, p.Pro409Ala (NM_032166.4); short protein forms P316A, P282A, P409A.
Identifiers: ClinVar variation 3722071 (VCV003722071.2).
Genomic context (GRCh38, chr3:48,460,279, plus strand): 5'-GTTGCCCGGAATGAGTGCTCACGTGATGGAGACCCAGCAGAGGGAGGCAGAAGGGCCTTC[C>G]CACTCTGCCAGCTTCCTGGAGCCGTGCATTTCCTCCCCCTTGTACAGTTCTTCATCGGCT-3'
Protein context (NP_569055.1, residues 399-419): DPAEGGRRAF[Pro409Ala]LCQLPGAVHF

ClinVar aggregate classification (germline): Uncertain significance (1 of 4 stars; one submission).

Submission:

Labcorp Genetics (formerly Invitae), Labcorp
Classification: Uncertain significance. Last evaluated: 2024-10-18. Review status: criteria provided, single submitter. Criteria: Invitae Variant Classification Sherloc (09022015). Collection method: clinical testing. Allele origin: germline.
Comment: This sequence change replaces proline, which is neutral and non-polar, with alanine, which is neutral and non-polar, at codon 409 of the ATRIP protein (p.Pro409Ala). This variant is not present in population databases (gnomAD no frequency). This variant has not been reported in the literature in individuals affected with ATRIP-related conditions. An algorithm developed to predict the effect of missense changes on protein structure and function (PolyPhen-2) suggests that this variant is likely to be tolerated. In summary, the available evidence is currently insufficient to determine the role of this variant in disease. Therefore, it has been classified as a Variant of Uncertain Significance.